The following is an entry in ClinVar:

ClinVar aggregate classification (germline): Likely benign (1 of 4 stars; one submission).

Submission:

CeGaT Center for Human Genetics Tuebingen
Classification: Likely benign. Last evaluated: 2023-10-01. Review status: criteria provided, single submitter. Criteria: CeGaT Center For Human Genetics Tuebingen Variant Classification Criteria Version 2. Collection method: clinical testing. Allele origin: germline. Affected: yes. Observed: 1 variant allele.
Comment: TUBB8B: BS2

NM_001358689.2(TUBB8B):c.166+18_166+19insGACCCCCGTCCTTCCCCCACCCAACGTGCACCACCACGAGGCCAGCGGTGA

Gene: TUBB8B (tubulin beta 8B; minus strand). Cytogenetic location: 18p11.32.
Variant type: Insertion.
Coding change: c.166+18_166+19insGACCCCCGTCCTTCCCCCACCCAACGTGCACCACCACGAGGCCAGCGGTGA on transcript NM_001358689.2 (MANE Select); bases 18 to 19 of the intron after coding-DNA position 166, GACCCCCGTCCTTCCCCCACCCAACGTGCACCACCACGAGGCCAGCGGTGA inserted.
Molecular consequence: intron variant.
Genome position: GRCh38: chr18:49,124-49,125. GRCh37 (hg19): chr18:49,124-49,125.
Other names: c.-51+18_-51+19insGACCCCCGTCCTTCCCCCACCCAACGTGCACCACCACGAGGCCAGCGGTGA (NM_001389609.1); c.90+18_90+19insGACCCCCGTCCTTCCCCCACCCAACGTGCACCACCACGAGGCCAGCGGTGA (NM_001389610.1).
Identifiers: ClinVar variation 2648509 (VCV002648509.24), dbSNP rs71172191, ClinGen allele CA8865247.